The following is an entry in ClinVar:

NM_001244008.2(KIF1A):c.1795C>T (p.His599Tyr)

Gene: KIF1A (kinesin family member 1A; minus strand). Cytogenetic location: 2q37.3.
Variant type: single nucleotide variant.
Coding change: c.1795C>T on transcript NM_001244008.2 (MANE Select); coding-DNA position 1795, C replaced by T.
Protein change: p.His599Tyr; replaces histidine 599 with tyrosine.
Molecular consequence: missense variant.
Genome position (GRCh38, 1-based): chr2:240,763,320, G>A on the plus strand (C>T on the coding strand, the complement: KIF1A is on the minus strand). VCF-style: chr2-240763320-G-A. GRCh37 (hg19) VCF-style: chr2-241702737-G-A.
Other names: c.1795C>T, p.His599Tyr (NM_001320705.2, NM_001330289.2, NM_001379638.1); c.1870C>T, p.His624Tyr (NM_001330290.2, NM_001379631.1, NM_001379634.1 and 2 more transcripts); c.1768C>T, p.His590Tyr (NM_001379632.1, NM_001379633.1, NM_001379636.1 and 10 more transcripts); c.1843C>T, p.His615Tyr (NM_001379637.1, NM_001379648.1); short protein forms H599Y, H624Y, H615Y, H590Y.
Identifiers: ClinVar variation 4043021 (VCV004043021.1).

ClinVar aggregate classification (germline): Uncertain significance (1 of 4 stars; one submission).

Conditions:
Inborn genetic diseases. Identifiers: MedGen C0950123, MeSH D030342.

Submission:

Ambry Genetics
Classification: Uncertain significance for Inborn genetic diseases. Last evaluated: 2025-04-03. Review status: criteria provided, single submitter. Criteria: Ambry Variant Classification Scheme 2023. Collection method: clinical testing. Allele origin: germline.
Comment: The c.1768C>T (p.H590Y) alteration is located in exon 20 (coding exon 19) of the KIF1A gene. This alteration results from a C to T substitution at nucleotide position 1768, causing the histidine (H) at amino acid position 590 to be replaced by a tyrosine (Y). This variant was not reported in population-based cohorts in the Genome Aggregation Database (gnomAD). This amino acid position is highly conserved in available vertebrate species. This missense alteration is located in a region that has a low rate of benign missense variation (Lek, 2016; Firth, 2009). This alteration is predicted to be deleterious by in silico analysis. Based on insufficient or conflicting evidence, the clinical significance of this alteration remains unclear.